The following is an entry in ClinVar:

NM_020442.6(VARS2):c.1954C>T (p.Arg652Trp)

Genes: VARS2 (valyl-tRNA synthetase 2, mitochondrial; plus strand), LOC126859646 (MED14-independent group 3 enhancer GRCh37_chr6:30889690-30890889; plus strand). Cytogenetic location: 6p21.33.
Variant type: single nucleotide variant.
Coding change: c.1954C>T on transcript NM_020442.6 (MANE Select); coding-DNA position 1954, C replaced by T.
Protein change: p.Arg652Trp; replaces arginine 652 with tryptophan.
Molecular consequence: missense variant.
Genome position (GRCh38, 1-based): chr6:30,922,471, C>T. VCF-style: chr6-30922471-C-T. GRCh37 (hg19) VCF-style: chr6-30890248-C-T.
Other names: c.1534C>T, p.Arg512Trp (NM_001167733.3); c.2044C>T, p.Arg682Trp (NM_001167734.2); short protein forms R512W, R652W, R682W.
Identifiers: ClinVar variation 1032679 (VCV001032679.24), dbSNP rs148448090, ClinGen allele CA3706111.

ClinVar aggregate classification (germline): Uncertain significance. Review status: criteria provided, multiple submitters, no conflicts (2 of 4 stars). 5 submissions from 5 submitters: Uncertain significance (5). Last evaluated 2026-10-06.

Conditions:
Combined oxidative phosphorylation defect type 20. Also called: Combined oxidative phosphorylation deficiency 20. Identifiers: Orphanet 420728, MedGen C4014660, MONDO:0014397, OMIM 615917.
Inborn genetic diseases. Identifiers: MedGen C0950123, MeSH D030342.

Allele frequency attached by ClinVar (database versions not stated): gnomAD 0.00015 and 0.00016; TOPMed 0.00019; ExAC 0.00006; ESP Exome Variant Server 0.00012; gnomAD exomes 0.00012.
gnomAD v4.1: 465 of 1,602,860 alleles (0.029%); highest among the groups gnomAD compares: Non-Finnish European, 0.037%; no homozygotes.

Submissions (5):

GeneDx
Classification: Uncertain significance. Last evaluated: 2026-10-06. Review status: criteria provided, single submitter. Criteria: GeneDx Variant Classification Process June 2021. Collection method: clinical testing. Allele origin: germline.
Comment: Has not been previously published as pathogenic or benign to our knowledge; In silico analysis supports that this missense variant has a deleterious effect on protein structure/function; In silico analysis suggests this variant may impact gene splicing. In the absence of RNA/functional studies, the actual effect of this sequence change is unknown

Ambry Genetics
Classification: Uncertain significance for Inborn genetic diseases. Last evaluated: 2025-06-06. Review status: criteria provided, single submitter. Criteria: Ambry Variant Classification Scheme 2023. Collection method: clinical testing. Allele origin: germline.

CeGaT Center for Human Genetics Tuebingen
Classification: Uncertain significance. Last evaluated: 2024-07-01. Review status: criteria provided, single submitter. Criteria: CeGaT Center For Human Genetics Tuebingen Variant Classification Criteria Version 2. Collection method: clinical testing. Allele origin: germline. Affected: yes. Observed: 1 variant allele.
Comment: VARS2: PM2:Supporting

Laboratorio de Genetica e Diagnostico Molecular, Hospital Israelita Albert Einstein
Classification: Uncertain significance. Last evaluated: 2019-06-13. Review status: criteria provided, single submitter. Criteria: ACMG Guidelines, 2015. Collection method: clinical testing. Allele origin: germline. Affected: yes.
Comment: ACMG classification criteria: PM2, PP3

Baylor Genetics
Classification: Uncertain significance for Combined oxidative phosphorylation defect type 20. Last evaluated: 2018-10-19. Review status: criteria provided, single submitter. Criteria: ACMG Guidelines, 2015. Collection method: clinical testing. Allele origin: maternal. Affected: yes.
Comment: This variant was determined to be of uncertain significance according to ACMG Guidelines, 2015 [PMID:25741868].